The following is an entry in ClinVar:

ClinVar aggregate classification (germline): Likely benign (1 of 4 stars; one submission).

Conditions:
KSR2-related disorder. Also called: KSR2-related condition.

gnomAD v4.1: 1 of 1,607,790 alleles (0.000062%); highest among the groups gnomAD compares: South Asian, 0.0011%; no homozygotes.

Submission:

PreventionGenetics, part of Exact Sciences
Classification: Likely benign for KSR2-related condition. Last evaluated: 2025-01-17. Review status: criteria provided, single submitter. Criteria: ACMG Guidelines, 2015. Collection method: clinical testing. Allele origin: germline.
Comment: This variant is classified as likely benign based on ACMG/AMP sequence variant interpretation guidelines (Richards et al. 2015 PMID: 25741868, with internal and published modifications).

NM_173598.6(KSR2):c.2538G>A (p.Glu846=)

Gene: KSR2 (kinase suppressor of ras 2; minus strand). Cytogenetic location: 12q24.22.
Variant type: single nucleotide variant.
Coding change: c.2538G>A on transcript NM_173598.6 (MANE Select); coding-DNA position 2538, G replaced by A.
Protein change: p.Glu846=; no amino-acid change (glutamic acid 846 retained).
Molecular consequence: synonymous variant.
Genome position (GRCh38, 1-based): chr12:117,476,508, C>T on the plus strand (G>A on the coding strand, the complement: KSR2 is on the minus strand). VCF-style: chr12-117476508-C-T. GRCh37 (hg19) VCF-style: chr12-117914313-C-T.
Identifiers: ClinVar variation 5000669 (VCV005000669.1).